The following is an entry in ClinVar:

NM_000551.4(VHL):c.-36C>T

Gene: VHL (von Hippel-Lindau tumor suppressor; plus strand). Cytogenetic location: 3p25.3.
Variant type: single nucleotide variant.
Coding change: c.-36C>T on transcript NM_000551.4 (MANE Select); 36 bases upstream of the start codon, C replaced by T.
Molecular consequence: 5 prime UTR variant.
Genome position (GRCh38, 1-based): chr3:10,141,812, C>T. VCF-style: chr3-10141812-C-T. GRCh37 (hg19) VCF-style: chr3-10183496-C-T.
Other names: c.-36C>T (NM_001354723.2, NM_198156.3).
Identifiers: ClinVar variation 513189 (VCV000513189.2), dbSNP rs1349047110, ClinGen allele CA658796231.

ClinVar aggregate classification (germline): Likely benign. Review status: criteria provided, multiple submitters, no conflicts (2 of 4 stars). 2 submissions from 2 submitters: Likely benign (2). Last evaluated 2026-03-24.

Conditions:
VHL-related disorder. Also called: VHL-related condition.

Submissions (2):

PreventionGenetics, part of Exact Sciences
Classification: Likely benign for VHL-related condition. Last evaluated: 2026-03-24. Review status: criteria provided, single submitter. Criteria: ACMG Guidelines, 2015. Collection method: clinical testing. Allele origin: germline.
Comment: This variant is classified as likely benign based on ACMG/AMP sequence variant interpretation guidelines (Richards et al. 2015 PMID: 25741868, with internal and published modifications).

GeneDx
Classification: Likely benign. Last evaluated: 2017-11-03. Review status: criteria provided, single submitter. Criteria: GeneDx Variant Classification (06012015). Collection method: clinical testing. Allele origin: germline. Affected: yes.
Comment: This variant is considered likely benign or benign based on one or more of the following criteria: it is a conservative change, it occurs at a poorly conserved position in the protein, it is predicted to be benign by multiple in silico algorithms, and/or has population frequency not consistent with disease.